The following is an entry in ClinVar:

ClinVar aggregate classification (germline): Uncertain significance. Review status: criteria provided, multiple submitters, no conflicts (2 of 4 stars). 3 submissions from 3 submitters: Uncertain significance (3). Last evaluated 2024-11-20.

Conditions:
Glycogen storage disease due to phosphoglycerate kinase 1 deficiency. Also called: PHOSPHOGLYCERATE KINASE 1 DEFICIENCY WITH LEVO-DOPA-RESPONSIVE PARKINSONISM; PGK1 DEFICIENCY. Identifiers: Orphanet 713, MedGen C1970848, MONDO:0010392, OMIM 300653.

Submissions (3):

Blueprint Genetics
Classification: Uncertain significance. Last evaluated: 2024-11-20. Review status: criteria provided, single submitter. Criteria: ACMG Guidelines, 2015. Collection method: clinical testing. Allele origin: germline.

Labcorp Genetics (formerly Invitae), Labcorp
Classification: Uncertain significance. Last evaluated: 2023-07-17. Review status: criteria provided, single submitter. Criteria: Invitae Variant Classification Sherloc (09022015). Collection method: clinical testing. Allele origin: germline.
Comment: In summary, the available evidence is currently insufficient to determine the role of this variant in disease. Therefore, it has been classified as a Variant of Uncertain Significance. Advanced modeling of protein sequence and biophysical properties (such as structural, functional, and spatial information, amino acid conservation, physicochemical variation, residue mobility, and thermodynamic stability) has been performed at Invitae for this missense variant, however the output from this modeling did not meet the statistical confidence thresholds required to predict the impact of this variant on PGK1 protein function. ClinVar contains an entry for this variant (Variation ID: 1402278). This variant has not been reported in the literature in individuals affected with PGK1-related conditions. This variant is not present in population databases (gnomAD no frequency). This sequence change replaces glutamic acid, which is acidic and polar, with aspartic acid, which is acidic and polar, at codon 120 of the PGK1 protein (p.Glu120Asp).

Institute of Human Genetics, Clinical Exome/Genome Diagnostics Group, University Hospital Bonn
Classification: Uncertain significance for Glycogen storage disease due to phosphoglycerate kinase 1 deficiency. Review status: criteria provided, single submitter. Criteria: ACMG Guidelines, 2015. Collection method: clinical testing. Allele origin: germline. Affected: yes.

NM_000291.4(PGK1):c.360G>T (p.Glu120Asp)

Gene: PGK1 (phosphoglycerate kinase 1; plus strand). Cytogenetic location: Xq21.1.
Variant type: single nucleotide variant.
Coding change: c.360G>T on transcript NM_000291.4 (MANE Select); coding-DNA position 360, G replaced by T.
Protein change: p.Glu120Asp; replaces glutamic acid 120 with aspartic acid.
Molecular consequence: missense variant.
Genome position (GRCh38, 1-based): chrX:78,114,103, G>T. VCF-style: chrX-78114103-G-T. GRCh37 (hg19) VCF-style: chrX-77369600-G-T.
Other names: short protein forms E120D.
Identifiers: ClinVar variation 1402278 (VCV001402278.8), dbSNP rs2149132255, ClinGen allele CA413719832.